The following is an entry in ClinVar:

NM_002528.7(NTHL1):c.329G>T (p.Cys110Phe)

Gene: NTHL1 (nth like DNA glycosylase 1; minus strand). Cytogenetic location: 16p13.3.
Variant type: single nucleotide variant.
Coding change: c.329G>T on transcript NM_002528.7 (MANE Select); coding-DNA position 329, G replaced by T.
Protein change: p.Cys110Phe; replaces cysteine 110 with phenylalanine.
Molecular consequence: missense variant. On other transcripts: intron variant (1).
Genome position (GRCh38, 1-based): chr16:2,046,153, C>A on the plus strand (G>T on the coding strand, the complement: NTHL1 is on the minus strand). VCF-style: chr16-2046153-C-A. GRCh37 (hg19) VCF-style: chr16-2096154-C-A.
Other names: c.329G>T, p.Cys110Phe (NM_001318193.2); c.24+127G>T (NM_001318194.2); short protein forms C110F.
Identifiers: ClinVar variation 1063311 (VCV001063311.9), dbSNP rs2150945115, ClinGen allele CA394295205.

ClinVar aggregate classification (germline): Uncertain significance. Review status: criteria provided, multiple submitters, no conflicts (2 of 4 stars). 2 submissions from 2 submitters: Uncertain significance (2). Last evaluated 2020-07-02.

Conditions:
Hereditary cancer-predisposing syndrome. Also called: Hereditary Cancer Syndrome; Hereditary neoplastic syndrome; Neoplastic Syndromes, Hereditary; Tumor predisposition. Identifiers: Orphanet 140162, MedGen C0027672, MeSH D009386, MONDO:0015356.

Submissions (2):

Ambry Genetics
Classification: Uncertain significance for Hereditary cancer-predisposing syndrome. Last evaluated: 2020-07-02. Review status: criteria provided, single submitter. Criteria: Ambry Variant Classification Scheme 2023. Collection method: clinical testing. Allele origin: germline.
Comment: The p.C118F variant (also known as c.353G>T), located in coding exon 2 of the NTHL1 gene, results from a G to T substitution at nucleotide position 353. The cysteine at codon 118 is replaced by phenylalanine, an amino acid with highly dissimilar properties. This amino acid position is highly conserved in available vertebrate species. In addition, this alteration is predicted to be deleterious by in silico analysis. Since supporting evidence is limited at this time, the clinical significance of this alteration remains unclear.

Labcorp Genetics (formerly Invitae), Labcorp
Classification: Uncertain significance. Last evaluated: 2018-05-22. Review status: criteria provided, single submitter. Criteria: Invitae Variant Classification Sherloc (09022015). Collection method: clinical testing. Allele origin: germline.
Comment: In summary, the available evidence is currently insufficient to determine the role of this variant in disease. Therefore, it has been classified as a Variant of Uncertain Significance. Algorithms developed to predict the effect of missense changes on protein structure and function are either unavailable or do not agree on the potential impact of this missense change (SIFT: "Deleterious"; PolyPhen-2: "Benign"; Align-GVGD: "Class C0"). This sequence change replaces cysteine with phenylalanine at codon 118 of the NTHL1 protein (p.Cys118Phe). The cysteine residue is highly conserved and there is a large physicochemical difference between cysteine and phenylalanine. This variant is not present in population databases (ExAC no frequency). This variant has not been reported in the literature in individuals with NTHL1-related disease.